The following is an entry in ClinVar:

NM_006031.6(PCNT):c.335A>G (p.His112Arg)

Gene: PCNT (pericentrin; plus strand). Cytogenetic location: 21q22.3.
Variant type: single nucleotide variant.
Coding change: c.335A>G on transcript NM_006031.6 (MANE Select); coding-DNA position 335, A replaced by G.
Protein change: p.His112Arg; replaces histidine 112 with arginine.
Molecular consequence: missense variant. On other transcripts: 5 prime UTR variant (1).
Genome position (GRCh38, 1-based): chr21:46,334,464, A>G. VCF-style: chr21-46334464-A-G. GRCh37 (hg19) VCF-style: chr21-47754378-A-G.
Other names: c.335A>G (NM_006031.5); c.-20A>G (NM_001315529.2); short protein forms H112R.
Identifiers: ClinVar variation 1935455 (VCV001935455.4), dbSNP rs142831129, ClinGen allele CA322000706.

ClinVar aggregate classification (germline): Uncertain significance. Review status: criteria provided, multiple submitters, no conflicts (2 of 4 stars). 3 submissions from 3 submitters: Uncertain significance (2). 1 of the submissions does not count toward it. Last evaluated 2025-11-11.

Conditions:
PCNT-related disorder. Also called: PCNT-related condition.
Inborn genetic diseases. Identifiers: MedGen C0950123, MeSH D030342.

Allele frequency attached by ClinVar (database versions not stated): gnomAD exomes 0.00001; TOPMed 0.00001; ESP Exome Variant Server 0.00008.
gnomAD v4.1: 16 of 1,614,230 alleles (0.00099%); highest among the groups gnomAD compares: Admixed American, 0.0017%; no homozygotes.

Submissions (3):

Ambry Genetics
Classification: Uncertain significance for Inborn genetic diseases. Last evaluated: 2025-11-11. Review status: criteria provided, single submitter. Criteria: Ambry Variant Classification Scheme 2023. Collection method: clinical testing. Allele origin: germline.

Labcorp Genetics (formerly Invitae), Labcorp
Classification: Uncertain significance. Last evaluated: 2022-06-25. Review status: criteria provided, single submitter. Criteria: Invitae Variant Classification Sherloc (09022015). Collection method: clinical testing. Allele origin: germline.
Comment: This sequence change replaces histidine, which is basic and polar, with arginine, which is basic and polar, at codon 112 of the PCNT protein (p.His112Arg). This variant is present in population databases (rs142831129, gnomAD 0.003%). This variant has not been reported in the literature in individuals affected with PCNT-related conditions. Algorithms developed to predict the effect of missense changes on protein structure and function (SIFT, PolyPhen-2, Align-GVGD) all suggest that this variant is likely to be tolerated. In summary, the available evidence is currently insufficient to determine the role of this variant in disease. Therefore, it has been classified as a Variant of Uncertain Significance.

PreventionGenetics, part of Exact Sciences
Classification: Uncertain significance for PCNT-related condition. Last evaluated: 2024-06-27. Review status: no assertion criteria provided. Collection method: clinical testing. Allele origin: germline. Not counted in ClinVar's aggregate classification.
Comment: The PCNT c.335A>G variant is predicted to result in the amino acid substitution p.His112Arg. To our knowledge, this variant has not been reported in the literature. This variant is reported in 0.0029% of alleles in individuals of Latino descent in gnomAD. At this time, the clinical significance of this variant is uncertain due to the absence of conclusive functional and genetic evidence.